The following is an entry in ClinVar:

NM_004204.5(PIGQ):c.418C>T (p.Gln140Ter)

Gene: PIGQ (phosphatidylinositol glycan anchor biosynthesis class Q; plus strand). Cytogenetic location: 16p13.3.
Variant type: single nucleotide variant.
Coding change: c.418C>T on transcript NM_004204.5 (MANE Select); coding-DNA position 418, C replaced by T.
Protein change: p.Gln140Ter; replaces glutamine 140 with a stop codon.
Molecular consequence: nonsense.
Genome position (GRCh38, 1-based): chr16:574,492, C>T. VCF-style: chr16-574492-C-T. GRCh37 (hg19) VCF-style: chr16-624492-C-T.
Other names: c.418C>T, p.Gln140Ter (NM_148920.4); short protein forms Q140*.
Identifiers: ClinVar variation 2063347 (VCV002063347.7), dbSNP rs778325154, ClinGen allele CA7779862.

ClinVar aggregate classification (germline): Pathogenic/Likely pathogenic. Review status: criteria provided, multiple submitters, no conflicts (2 of 4 stars). 3 submissions from 3 submitters: Pathogenic (1); Likely pathogenic (2). Last evaluated 2025-07-22.

Conditions:
Developmental and epileptic encephalopathy. Identifiers: MedGen C5779964, MONDO:0100620.
Epilepsy. Also called: Seizure disorder. Identifiers: MedGen C0014544, MeSH D004827, MONDO:0005027.

Allele frequency attached by ClinVar (database versions not stated): ExAC 0.00001; gnomAD 0.00001; gnomAD exomes 0.00001; TOPMed 0.00001.

Submissions (3):

Dasa
Classification: Likely pathogenic. Last evaluated: 2025-07-22. Review status: criteria provided, single submitter. Criteria: DASA Assertion Criteria. Collection method: clinical testing. Allele origin: germline.
Comment: NM_004204.5(PIGQ):c.418C>T (p.Gln140*) is a nonsense variant in PIGQ predicted to introduce a premature termination codon and is predicted to result in an absent or altered protein product. Loss of function is an established disease mechanism for PIGQ-associated disorders. Also, this variant is rare in population databases. Based on the currently available evidence, this variant is classified as likely pathogenic.

Labcorp Genetics (formerly Invitae), Labcorp
Classification: Pathogenic for Epilepsy. Last evaluated: 2024-10-14. Review status: criteria provided, single submitter. Criteria: Invitae Variant Classification Sherloc (09022015). Collection method: clinical testing. Allele origin: germline.
Comment: This sequence change creates a premature translational stop signal (p.Gln140*) in the PIGQ gene. It is expected to result in an absent or disrupted protein product. Loss-of-function variants in PIGQ are known to be pathogenic (PMID: 24463883, 25558065). This variant is present in population databases (rs778325154, gnomAD 0.002%). This variant has not been reported in the literature in individuals affected with PIGQ-related conditions. ClinVar contains an entry for this variant (Variation ID: 2063347). For these reasons, this variant has been classified as Pathogenic.

Department of Pathology and Laboratory Medicine, Sinai Health System
Classification: Likely pathogenic for Early-infantile DEE. Last evaluated: 2023-02-24. Review status: criteria provided, single submitter. Criteria: ACMG Guidelines, 2015. Collection method: research. Allele origin: germline.

Literature cited by the submitters: PubMed 24463883 (cited by Labcorp Genetics (formerly Invitae), Labcorp); PubMed 25558065 (cited by Labcorp Genetics (formerly Invitae), Labcorp).